The following is an entry in ClinVar:

ClinVar aggregate classification (germline): Pathogenic (1 of 4 stars; one submission).

Conditions:
Osteogenesis imperfecta with normal sclerae, dominant form (OI4). Also called: Common Variable Osteogenesis Imperfecta with Normal Sclerae; OSTEOGENESIS IMPERFECTA, TYPE IV, WITH DENTINOGENESIS IMPERFECTA; Osteogenesis Imperfecta Type IV; OSTEOGENESIS IMPERFECTA WITH NORMAL SCLERAE; Osteogenesis imperfecta type 4. Identifiers: Orphanet 216820, Orphanet 666, MedGen C0268363, MONDO:0008148, OMIM 166220.

Submission:

Clinical Biomedical Laboratory, Shriners Hospital For Children - Canada
Classification: Pathogenic for Osteogenesis imperfecta with normal sclerae, dominant form. Last evaluated: 2025-07-16. Review status: criteria provided, single submitter. Criteria: ACMG Guidelines, 2015. Collection method: clinical testing. Allele origin: germline. Affected: yes.
Comment: This variant introduces an in-frame insertion in the alpha 2 chain of collagen type I. This variant is absent from the Genome Aggregation Database (v2.1.1). In-frame insertions in the triple helical domain of collagen type I cause disruption in the formation of the triple helix in the collagen molecule and are a typical cause of osteogenesis imperfecta.

NM_000089.4(COL1A2):c.2235_2237dup (p.Pro746_Lys747insPro)

Gene: COL1A2 (collagen type I alpha 2 chain; plus strand). Cytogenetic location: 7q21.3.
Variant type: Duplication.
Coding change: c.2235_2237dup on transcript NM_000089.4 (MANE Select); coding-DNA positions 2235 to 2237, 3 bases duplicated (GCC; older notation c.2235_2237dupGCC).
Protein change: p.Pro746_Lys747insPro.
Genome position (GRCh38, 1-based): chr7:94,420,588-94,420,590, GCC duplicated. VCF-style (leftmost placement, unchanged base first): chr7-94420587-G-GGCC. GRCh37 (hg19) VCF-style: chr7-94049899-G-GGCC.
Identifiers: ClinVar variation 4075349 (VCV004075349.1).